The following is an entry in ClinVar:

NM_000875.5(IGF1R):c.166G>C (p.Glu56Gln)

Gene: IGF1R (insulin like growth factor 1 receptor; plus strand). Cytogenetic location: 15q26.3.
Variant type: single nucleotide variant.
Coding change: c.166G>C on transcript NM_000875.5 (MANE Select); coding-DNA position 166, G replaced by C.
Protein change: p.Glu56Gln; replaces glutamic acid 56 with glutamine.
Molecular consequence: missense variant.
Genome position (GRCh38, 1-based): chr15:98,707,633, G>C. VCF-style: chr15-98707633-G-C. GRCh37 (hg19) VCF-style: chr15-99250862-G-C.
Other names: c.166G>C, p.Glu56Gln (NM_001291858.2); short protein forms E56Q.
Identifiers: ClinVar variation 4746457 (VCV004746457.1).

ClinVar aggregate classification (germline): Uncertain significance (1 of 4 stars; one submission).

Submission:

Labcorp Genetics (formerly Invitae), Labcorp
Classification: Uncertain significance. Last evaluated: 2025-07-27. Review status: criteria provided, single submitter. Criteria: Invitae Variant Classification Sherloc (09022015). Collection method: clinical testing. Allele origin: germline.
Comment: This sequence change replaces glutamic acid, which is acidic and polar, with glutamine, which is neutral and polar, at codon 56 of the IGF1R protein (p.Glu56Gln). This variant is not present in population databases (gnomAD no frequency). This variant has not been reported in the literature in individuals affected with IGF1R-related conditions. Invitae Evidence Modeling of protein sequence and biophysical properties (such as structural, functional, and spatial information, amino acid conservation, physicochemical variation, residue mobility, and thermodynamic stability) indicates that this missense variant is not expected to disrupt IGF1R protein function with a negative predictive value of 80%. In summary, the available evidence is currently insufficient to determine the role of this variant in disease. Therefore, it has been classified as a Variant of Uncertain Significance.